The following is an entry in ClinVar:

NM_006147.4(IRF6):c.950del (p.Cys317fs)

Gene: IRF6 (interferon regulatory factor 6; minus strand). Cytogenetic location: 1q32.2.
Variant type: Deletion.
Coding change: c.950del on transcript NM_006147.4 (MANE Select); coding-DNA position 950, one base deleted (G; older notation c.950delG).
Protein change: p.Cys317fs; shifts the reading frame from cysteine 317.
Molecular consequence: frameshift variant.
Genome position (GRCh38, 1-based): chr1:209,790,605, C deleted on the plus strand (G on the coding strand, the reverse complement: IRF6 is on the minus strand). VCF-style (leftmost placement, unchanged base first): chr1-209790604-GC-G. GRCh37 (hg19) VCF-style: chr1-209963949-GC-G.
Other names: c.665del, p.Cys222fs (NM_001206696.2); short protein forms C222fs, C317fs.
Identifiers: ClinVar variation 4845297 (VCV004845297.1).

ClinVar aggregate classification (germline): Likely pathogenic (1 of 4 stars; one submission).

Conditions:
Van der Woude syndrome 1. Also called: CLEFT LIP AND/OR PALATE WITH MUCOUS CYSTS OF LOWER LIP; van der Woude Syndrome (VWS). Identifiers: MedGen C4551864, MONDO:0007333, OMIM 119300.

Submission:

Genomics, Clalit Research Institute, Clalit Health Care
Classification: Likely pathogenic for Van der Woude syndrome 1. Last evaluated: 2025-08-25. Review status: criteria provided, single submitter. Criteria: ACMG Guidelines, 2015. Collection method: clinical testing. Allele origin: germline. Affected: yes.
Comment: Frequency: The variant is absent from the gnomAD reference population dataset. Variant type: Null variant in a gene where LOF is a known mechanism of disease. Predicted to undergo NMD. Clinical evidence: To date, the variant has not been described by reputable sources or in the primary literature.